The following is an entry in ClinVar:

NM_003680.4(YARS1):c.1117G>A (p.Gly373Arg)

Gene: YARS1 (tyrosyl-tRNA synthetase 1; minus strand). Cytogenetic location: 1p35.1.
Variant type: single nucleotide variant.
Coding change: c.1117G>A on transcript NM_003680.4 (MANE Select); coding-DNA position 1117, G replaced by A.
Protein change: p.Gly373Arg; replaces glycine 373 with arginine.
Molecular consequence: missense variant.
Genome position (GRCh38, 1-based): chr1:32,781,071, C>T on the plus strand (G>A on the coding strand, the complement: YARS1 is on the minus strand). VCF-style: chr1-32781071-C-T. GRCh37 (hg19) VCF-style: chr1-33246672-C-T.
Other names: short protein forms G373R.
Identifiers: ClinVar variation 533459 (VCV000533459.8), dbSNP rs764584188, ClinGen allele CA339682553.

ClinVar aggregate classification (germline): Uncertain significance. Review status: criteria provided, multiple submitters, no conflicts (2 of 4 stars). 2 submissions from 2 submitters: Uncertain significance (2). Last evaluated 2025-06-14.

Conditions:
Charcot-Marie-Tooth disease dominant intermediate C (CMTDIC). Also called: CHARCOT-MARIE-TOOTH NEUROPATHY, DOMINANT INTERMEDIATE C. Identifiers: Orphanet 100045, MedGen C1842237, MONDO:0012012, OMIM 608323.

gnomAD v4.1: 2 of 1,614,202 alleles (0.00012%); highest among the groups gnomAD compares: Non-Finnish European, 0.00017%; no homozygotes.

Submissions (2):

GeneDx
Classification: Uncertain significance. Last evaluated: 2025-06-14. Review status: criteria provided, single submitter. Criteria: GeneDx Variant Classification Process June 2021. Collection method: clinical testing. Allele origin: germline. Affected: yes.
Comment: Not observed at significant frequency in large population cohorts (gnomAD); In silico analysis supports that this missense variant has a deleterious effect on protein structure/function; Has not been previously published as pathogenic or benign to our knowledge; This variant is associated with the following publications: (PMID: 16429158)

Labcorp Genetics (formerly Invitae), Labcorp
Classification: Uncertain significance for Charcot-Marie-Tooth disease dominant intermediate C. Last evaluated: 2024-05-21. Review status: criteria provided, single submitter. Criteria: Invitae Variant Classification Sherloc (09022015). Collection method: clinical testing. Allele origin: germline.
Comment: This sequence change replaces glycine, which is neutral and non-polar, with arginine, which is basic and polar, at codon 373 of the YARS protein (p.Gly373Arg). This variant is not present in population databases (gnomAD no frequency). This variant has not been reported in the literature in individuals affected with YARS-related conditions. ClinVar contains an entry for this variant (Variation ID: 533459). Advanced modeling of protein sequence and biophysical properties (such as structural, functional, and spatial information, amino acid conservation, physicochemical variation, residue mobility, and thermodynamic stability) performed at Invitae indicates that this missense variant is expected to disrupt YARS protein function with a positive predictive value of 80%. In summary, the available evidence is currently insufficient to determine the role of this variant in disease. Therefore, it has been classified as a Variant of Uncertain Significance.